The following is an entry in ClinVar:

NM_015021.3(ZNF292):c.6775G>T (p.Asp2259Tyr)

Gene: ZNF292 (zinc finger protein 292; plus strand). Cytogenetic location: 6q14.3.
Variant type: single nucleotide variant.
Coding change: c.6775G>T on transcript NM_015021.3 (MANE Select); coding-DNA position 6775, G replaced by T.
Protein change: p.Asp2259Tyr; replaces aspartic acid 2259 with tyrosine.
Molecular consequence: missense variant.
Genome position (GRCh38, 1-based): chr6:87,260,404, G>T. VCF-style: chr6-87260404-G-T. GRCh37 (hg19) VCF-style: chr6-87970122-G-T.
Other names: c.6355G>T, p.Asp2119Tyr (NM_001351444.2); short protein forms D2119Y, D2259Y.
Identifiers: ClinVar variation 4795492 (VCV004795492.1).
Genomic context (GRCh38, chr6:87,260,404, plus strand): 5'-GCAGACCACGGGATTGGACTAAGGGCAAGTAAAACAGAAGAAGATGGTGTATACAAATGT[G>T]ATTGTGAAGGCTGTGACCGTATATATGCAACCCGGTCGAATCTCCTCCGACACATTTTTA-3'
Protein context (NP_055836.1, residues 2249-2269): KTEEDGVYKC[Asp2259Tyr]CEGCDRIYAT

ClinVar aggregate classification (germline): Uncertain significance (1 of 4 stars; one submission).

Submission:

GeneDx
Classification: Uncertain significance. Last evaluated: 2025-08-12. Review status: criteria provided, single submitter. Criteria: GeneDx Variant Classification Process June 2021. Collection method: clinical testing. Allele origin: germline. Affected: yes.
Comment: Not observed at significant frequency in large population cohorts (gnomAD); In silico analysis supports that this missense variant has a deleterious effect on protein structure/function; Has not been previously published as pathogenic or benign to our knowledge